The following is an entry in ClinVar:

NM_000525.4(KCNJ11):c.*99C>G

Gene: KCNJ11 (potassium inwardly rectifying channel subfamily J member 11; minus strand). Cytogenetic location: 11p15.1.
Variant type: single nucleotide variant.
Coding change: c.*99C>G on transcript NM_000525.4 (MANE Select); 99 bases downstream of the stop codon, C replaced by G.
Molecular consequence: 3 prime UTR variant.
Genome position (GRCh38, 1-based): chr11:17,386,820, G>C on the plus strand (C>G on the coding strand, the complement: KCNJ11 is on the minus strand). VCF-style: chr11-17386820-G-C. GRCh37 (hg19) VCF-style: chr11-17408367-G-C.
Other names: c.*99C>G (NM_001166290.2, NM_001377296.1, NM_001377297.1).
Identifiers: ClinVar variation 303728 (VCV000303728.6), dbSNP rs886048040, ClinGen allele CA10634190.

ClinVar aggregate classification (germline): Uncertain significance. Review status: criteria provided, multiple submitters, no conflicts (2 of 4 stars). 4 submissions from 2 submitters: Uncertain significance (4). Last evaluated 2018-01-13.

Conditions:
Maturity-onset diabetes of the young type 13. Also called: MODY, TYPE 13. Identifiers: Orphanet 552, MedGen C4225365, MONDO:0014589, OMIM 616329.
Maturity-onset diabetes of the young (MODY). Also called: Maturity onset diabetes mellitus in young. Identifiers: Orphanet 552, MedGen C0342276, MONDO:0018911, HP:0004904.
Diabetes mellitus, transient neonatal, 3 (TNDM3). Identifiers: Orphanet 99886, MedGen C1864623, MONDO:0012522, OMIM 610582. Disease mechanism: loss of function.
Hyperinsulinemic hypoglycemia, familial, 2. Also called: HYPERINSULINEMIC HYPOGLYCEMIA, PERSISTENT; HYPERINSULINISM, NEONATAL. Identifiers: Orphanet 276580, Orphanet 276603, MedGen C2931833, MONDO:0011153, OMIM 601820. Disease mechanism: loss of function.

Allele frequency attached by ClinVar (database versions not stated): gnomAD exomes below 0.00001.

Submissions (4):

Illumina Laboratory Services, Illumina
Classification: Uncertain significance for Maturity-onset diabetes of the young type 13. Last evaluated: 2018-01-13. Review status: criteria provided, single submitter. Criteria: ICSL Variant Classification Criteria 13 December 2019. Collection method: clinical testing. Allele origin: germline.

Illumina Laboratory Services, Illumina
Classification: Uncertain significance for Hyperinsulinemic hypoglycemia, familial, 2. Last evaluated: 2018-01-13. Review status: criteria provided, single submitter. Criteria: ICSL Variant Classification Criteria 13 December 2019. Collection method: clinical testing. Allele origin: germline.

Illumina Laboratory Services, Illumina
Classification: Uncertain significance for Diabetes mellitus, transient neonatal, 3. Last evaluated: 2018-01-13. Review status: criteria provided, single submitter. Criteria: ICSL Variant Classification Criteria 13 December 2019. Collection method: clinical testing. Allele origin: germline.

Clinical Genomics, Uppaluri K&H Personalized Medicine Clinic
Classification: Uncertain significance for Maturity-onset diabetes of the young. Review status: criteria provided, single submitter. Criteria: K & H Uppaluri Personalized Medicine Clinic Variant Classification & Assertion Criteria_Updated V.1. Collection method: research. Allele origin: somatic. Inheritance: Autosomal dominant inheritance.
Comment: Mutations in KCNJ11 gene can cause decreased production and secretion of insulin. This can lead to MODY which may be responsive to oral sulfonylureas. It is also associated with Neonatal Diabetes. However, no sufficient evidence is found to ascertain the role of this particular variant (rs886048040) in MODY yet.

Literature cited by the submitters: PubMed 26448950 (cited by Clinical Genomics, Uppaluri K&H Personalized Medicine Clinic); PubMed 15580558 (cited by Clinical Genomics, Uppaluri K&H Personalized Medicine Clinic); PubMed 15718250 (cited by Clinical Genomics, Uppaluri K&H Personalized Medicine Clinic); PubMed 32935446 (cited by Clinical Genomics, Uppaluri K&H Personalized Medicine Clinic); PubMed 22701567 (cited by Clinical Genomics, Uppaluri K&H Personalized Medicine Clinic).